The following is an entry in ClinVar:

NM_001077350.3(NPRL3):c.1531C>T (p.Arg511Cys)

Genes: HBA-LCR (alpha-globin locus control region; plus strand), NPRL3 (NPR3 like, GATOR1 complex subunit; minus strand). Cytogenetic location: 16p13.3.
Variant type: single nucleotide variant.
Coding change: c.1531C>T on transcript NM_001077350.3 (MANE Select); coding-DNA position 1531, C replaced by T.
Protein change: p.Arg511Cys; replaces arginine 511 with cysteine.
Molecular consequence: missense variant.
Genome position (GRCh38, 1-based): chr16:88,711, G>A on the plus strand (C>T on the coding strand, the complement: NPRL3 is on the minus strand). VCF-style: chr16-88711-G-A. GRCh37 (hg19) VCF-style: chr16-138710-G-A.
Other names: c.994C>T, p.Arg332Cys (NM_001039476.3); c.1297C>T, p.Arg433Cys (NM_001243247.2); c.1456C>T, p.Arg486Cys (NM_001243248.2, NM_001243249.2); short protein forms R332C, R486C, R433C, R511C.
Identifiers: ClinVar variation 1417315 (VCV001417315.6), dbSNP rs747602641, ClinGen allele CA7769301.

ClinVar aggregate classification (germline): Uncertain significance (1 of 4 stars; one submission).

Conditions:
Epilepsy, familial focal, with variable foci 3 (FFEVF3). Identifiers: MedGen C4310708, MONDO:0014925, OMIM 617118.

Allele frequency attached by ClinVar (database versions not stated): gnomAD exomes below 0.00001; TOPMed below 0.00001; ExAC 0.00001; gnomAD 0.00002.
gnomAD v4.1: 9 of 1,609,788 alleles (0.00056%); highest among the groups gnomAD compares: African/African-American, 0.0027%; no homozygotes.

Submission:

Labcorp Genetics (formerly Invitae), Labcorp
Classification: Uncertain significance for Epilepsy, familial focal, with variable foci 3. Last evaluated: 2025-09-02. Review status: criteria provided, single submitter. Criteria: Invitae Variant Classification Sherloc (09022015). Collection method: clinical testing. Allele origin: germline.
Comment: This sequence change replaces arginine, which is basic and polar, with cysteine, which is neutral and slightly polar, at codon 511 of the NPRL3 protein (p.Arg511Cys). This variant is present in population databases (rs747602641, gnomAD 0.004%). This variant has not been reported in the literature in individuals affected with NPRL3-related conditions. ClinVar contains an entry for this variant (Variation ID: 1417315). Invitae Evidence Modeling of protein sequence and biophysical properties (such as structural, functional, and spatial information, amino acid conservation, physicochemical variation, residue mobility, and thermodynamic stability) indicates that this missense variant is not expected to disrupt NPRL3 protein function with a negative predictive value of 80%. In summary, the available evidence is currently insufficient to determine the role of this variant in disease. Therefore, it has been classified as a Variant of Uncertain Significance.